The following is an entry in ClinVar:

ClinVar aggregate classification (germline): Uncertain significance (1 of 4 stars; one submission).

Conditions:
Cardiovascular phenotype. Identifiers: MedGen CN230736.

Submission:

Ambry Genetics
Classification: Uncertain significance for Cardiovascular phenotype. Last evaluated: 2020-11-17. Review status: criteria provided, single submitter. Criteria: Ambry Variant Classification Scheme 2023. Collection method: clinical testing. Allele origin: germline.
Comment: The p.P216Q variant (also known as c.647C>A), located in coding exon 9 of the RYR2 gene, results from a C to A substitution at nucleotide position 647. The proline at codon 216 is replaced by glutamine, an amino acid with similar properties. This amino acid position is highly conserved in available vertebrate species. In addition, this alteration is predicted to be deleterious by in silico analysis. Since supporting evidence is limited at this time, the clinical significance of this alteration remains unclear.

NM_001035.3(RYR2):c.647C>A (p.Pro216Gln)

Gene: RYR2 (ryanodine receptor 2; plus strand). Cytogenetic location: 1q43.
Variant type: single nucleotide variant.
Coding change: c.647C>A on transcript NM_001035.3 (MANE Select); coding-DNA position 647, C replaced by A.
Protein change: p.Pro216Gln; replaces proline 216 with glutamine.
Molecular consequence: missense variant.
Genome position (GRCh38, 1-based): chr1:237,387,351, C>A. VCF-style: chr1-237387351-C-A. GRCh37 (hg19) VCF-style: chr1-237550651-C-A.
Other names: short protein forms P216Q.
Identifiers: ClinVar variation 1753742 (VCV001753742.2), dbSNP rs2530196410, ClinGen allele CA345377485.